The following is an entry in ClinVar:

NM_000088.4(COL1A1):c.2516del (p.Gly839fs)

Gene: COL1A1 (collagen type I alpha 1 chain; minus strand). Cytogenetic location: 17q21.33.
Variant type: Deletion.
Coding change: c.2516del on transcript NM_000088.4 (MANE Select); coding-DNA position 2516, one base deleted (G; older notation c.2516delG).
Protein change: p.Gly839fs; shifts the reading frame from glycine 839.
Molecular consequence: frameshift variant.
Genome position (GRCh38, 1-based): chr17:50,190,044, C deleted on the plus strand (G on the coding strand, the reverse complement: COL1A1 is on the minus strand); the first of 2 consecutive C bases (chr17:50,190,044-50,190,045); deleting either gives the same sequence. VCF-style (leftmost placement, unchanged base first): chr17-50190043-AC-A. GRCh37 (hg19) VCF-style: chr17-48267404-AC-A.
Other names: short protein forms G839fs.
Identifiers: ClinVar variation 4871697 (VCV004871697.1).

ClinVar aggregate classification (germline): Pathogenic (1 of 4 stars; one submission).

Conditions:
Osteogenesis imperfecta type I (OI1). Also called: Classic Non-deforming Osteogenesis Imperfecta with Blue Sclerae; OI, TYPE I; OSTEOGENESIS IMPERFECTA TARDA; OSTEOGENESIS IMPERFECTA WITH BLUE SCLERAE; Osteogenesis imperfecta type 1; Lobstein's Disease. Identifiers: Orphanet 216796, Orphanet 666, MedGen C0023931, MONDO:0008146, OMIM 166200. Disease mechanism: loss of function.

Submission:

Centro Nacional de Genética Medica, Administración Nacional de Laboratorios e Institutos de Salud (ANLIS) “Dr. Carlos G Malbrán”
Classification: Pathogenic for Osteogenesis imperfecta type I. Last evaluated: 2025-02-11. Review status: criteria provided, single submitter. Criteria: ACMG Guidelines, 2015. Collection method: clinical testing. Allele origin: germline. Affected: yes. Observed: 2 variant alleles.
Comment: This variant corresponds to the deletion of a cytosine at nucleotide position 2516 within the coding sequence of exon 36/51 of the COL1A1 gene. This previously unreported variant is predicted to result in a frameshift beginning at glycine residue 839, followed by the introduction of a premature termination codon 269 amino acids downstream (p.Gly839Valfs*269). Variants of this type generally result in degradation of the mutant messenger RNA through the nonsense-mediated decay (NMD) pathway (PMID: 36875494; PMID: 31474762), leading to loss of protein production from the affected allele. COL1A1 has been curated by ClinGen as a haploinsufficient gene, and substantial evidence supports loss of function as a disease-causing mechanism. Korkko et al. (1997) (PMID: 9067755) analyzed COL1A1 in eight patients with Osteogenesis Imperfecta type I and identified both a nonsense variant generating a premature termination codon and a frameshift variant in two unrelated affected individuals. Dalgleish (1997) (PMID: 9016532) described a variant database for COL1A1 and COL1A2 that included six frameshift variants and seven deletions in COL1A1. In addition, Zhytnik et al. (2019) (PMID: 31447884) reported 67 patients with Osteogenesis Imperfecta type I, including seven individuals carrying frameshift variants, seven with nonsense variants, two with canonical splice-site variants, and six with missense variants in COL1A1 (PVS1).The proposed biological mechanism is that reduced production of the α1(I) collagen chain results in impaired osteon structure and decreased resistance of bone tissue to compressive and torsional forces, ultimately leading to increased bone fragility and recurrent fractures (PMID: 9067755; PMID: 20301472), as observed in this patient. The identified variant is absent from population databases such as gnomAD, ExAC, and the 1000 Genomes Project (PM2_Supporting). The patient's phenotype is consistent with Osteogenesis Imperfecta type I, supporting the association between the identified COL1A1 variant and the clinical presentation (PP4).

Literature cited by the submitters: PubMed 36875494; PubMed 31474762; PubMed 9067755; PubMed 9016532; PubMed 31447884; PubMed 20301472.